The following is an entry in ClinVar:

NM_022168.4(IFIH1):c.2899-17T>A

Gene: IFIH1 (interferon induced with helicase C domain 1; minus strand). Cytogenetic location: 2q24.2.
Variant type: single nucleotide variant.
Coding change: c.2899-17T>A on transcript NM_022168.4 (MANE Select); 17 bases into the intron before coding-DNA position 2899, T replaced by A.
Molecular consequence: intron variant.
Genome position (GRCh38, 1-based): chr2:162,267,396, A>T on the plus strand (T>A on the coding strand, the complement: IFIH1 is on the minus strand). VCF-style: chr2-162267396-A-T. GRCh37 (hg19) VCF-style: chr2-163123906-A-T.
Identifiers: ClinVar variation 3753282 (VCV003753282.2).
Genomic context (GRCh38, chr2:162,267,396, plus strand): 5'-CAAGGCAAATCTAAGCCTTTGTGCACCATCATTGTTCCCCAAGCCTGGAAAACAAAAGAG[A>T]GAGCAAGAGGAAAATTAAATGTACATGCAATTAAACATTCCTGTTGGCTAAAGTAAAATC-3'

ClinVar aggregate classification (germline): Uncertain significance (1 of 4 stars; one submission).

Conditions:
Singleton-Merten syndrome 1 (SGMRT1). Also called: Syndrome of widened medullary cavities of the metacarpals and phalanges, aortic calcification and abnormal dentition; Widened medullary cavities of bone, aortic calcification, abnormal dentition, and muscular weakness. Identifiers: Orphanet 85191, MedGen C4225427, MONDO:0024535, OMIM 182250.
Aicardi-Goutieres syndrome 7 (AGS7). Identifiers: Orphanet 51, MedGen C3888244, MONDO:0014367, OMIM 615846.

Submission:

Labcorp Genetics (formerly Invitae), Labcorp
Classification: Uncertain significance for Aicardi-Goutieres syndrome 7; Singleton-Merten syndrome 1. Last evaluated: 2025-02-06. Review status: criteria provided, single submitter. Criteria: Invitae Variant Classification Sherloc (09022015). Collection method: clinical testing. Allele origin: germline.
Comment: This sequence change falls in intron 15 of the IFIH1 gene. It does not directly change the encoded amino acid sequence of the IFIH1 protein. This variant is not present in population databases (gnomAD no frequency). This variant has not been reported in the literature in individuals affected with IFIH1-related conditions. Algorithms developed to predict the effect of sequence changes on RNA splicing suggest that this variant may disrupt the consensus splice site. In summary, the available evidence is currently insufficient to determine the role of this variant in disease. Therefore, it has been classified as a Variant of Uncertain Significance.